The following is an entry in ClinVar:

NM_001037.5(SCN1B):c.286C>T (p.Arg96Trp)

Gene: SCN1B (sodium voltage-gated channel beta subunit 1; plus strand). Cytogenetic location: 19q13.11.
Variant type: single nucleotide variant.
Coding change: c.286C>T on transcript NM_001037.5 (MANE Select); coding-DNA position 286, C replaced by T.
Protein change: p.Arg96Trp; replaces arginine 96 with tryptophan.
Molecular consequence: missense variant.
Genome position (GRCh38, 1-based): chr19:35,033,577, C>T. VCF-style: chr19-35033577-C-T. GRCh37 (hg19) VCF-style: chr19-35524481-C-T.
Other names: c.187C>T, p.Arg63Trp (NM_001321605.2); c.286C>T, p.Arg96Trp (NM_199037.5); c.286C>T (NM_001037.4); short protein forms R96W, R63W.
Identifiers: ClinVar variation 470177 (VCV000470177.7), dbSNP rs368388359, ClinGen allele CA9372001.
Genomic context (GRCh38, chr19:35,033,577, plus strand): 5'-GAGGTGTTGCAGCTGGAGGAGGATGAGCGCTTCGAGGGCCGCGTGGTGTGGAATGGCAGC[C>T]GGGGCACCAAAGACCTGCAGGATCTGTCTATCTTCATCACCAATGTCACCTACAACCACT-3'
Protein context (NP_001028.1, residues 86-106): FEGRVVWNGS[Arg96Trp]GTKDLQDLSI

ClinVar aggregate classification (germline): Uncertain significance. Review status: criteria provided, multiple submitters, no conflicts (2 of 4 stars). 2 submissions from 2 submitters: Uncertain significance (2). Last evaluated 2024-10-23.

Conditions:
Brugada syndrome 5 (BRGDA5). Identifiers: Orphanet 130, Orphanet 871, MedGen C2748541, MONDO:0013015, OMIM 612838.
Cardiovascular phenotype. Identifiers: MedGen CN230736.

Allele frequency attached by ClinVar (database versions not stated): gnomAD 0.00001; gnomAD exomes 0.00001 and 0.00002; TOPMed 0.00001; ExAC 0.00002; ESP Exome Variant Server 0.00008.

Submissions (2):

Labcorp Genetics (formerly Invitae), Labcorp
Classification: Uncertain significance for Brugada syndrome 5. Last evaluated: 2024-10-23. Review status: criteria provided, single submitter. Criteria: Invitae Variant Classification Sherloc (09022015). Collection method: clinical testing. Allele origin: germline.
Comment: This sequence change replaces arginine, which is basic and polar, with tryptophan, which is neutral and slightly polar, at codon 96 of the SCN1B protein (p.Arg96Trp). This variant is present in population databases (rs368388359, gnomAD 0.007%). This variant has not been reported in the literature in individuals affected with SCN1B-related conditions. ClinVar contains an entry for this variant (Variation ID: 470177). An algorithm developed to predict the effect of missense changes on protein structure and function (PolyPhen-2) suggests that this variant is likely to be disruptive. In summary, the available evidence is currently insufficient to determine the role of this variant in disease. Therefore, it has been classified as a Variant of Uncertain Significance.

Ambry Genetics
Classification: Uncertain significance for Cardiovascular phenotype. Last evaluated: 2024-06-11. Review status: criteria provided, single submitter. Criteria: Ambry Variant Classification Scheme 2023. Collection method: clinical testing. Allele origin: germline.
Comment: The p.R96W variant (also known as c.286C>T), located in coding exon 3 of the SCN1B gene, results from a C to T substitution at nucleotide position 286. The arginine at codon 96 is replaced by tryptophan, an amino acid with dissimilar properties. This amino acid position is well conserved in available vertebrate species. In addition, the in silico prediction for this alteration is inconclusive. Based on the available evidence, the clinical significance of this variant remains unclear.